The following is an entry in ClinVar:

NM_001387994.1(BAG6):c.1370-21del

Gene: BAG6 (BAG cochaperone 6; minus strand). Cytogenetic location: 6p21.33.
Variant type: Deletion.
Coding change: c.1370-21del on transcript NM_001387994.1 (MANE Select); 21 bases into the intron before coding-DNA position 1370, one base deleted (T; older notation c.1370-21delT).
Molecular consequence: intron variant. On other transcripts: frameshift variant (4).
Genome position (GRCh38, 1-based): chr6:31,644,623, A deleted on the plus strand (T on the coding strand, the reverse complement: BAG6 is on the minus strand). VCF-style (leftmost placement, unchanged base first): chr6-31644622-CA-C. GRCh37 (hg19) VCF-style: chr6-31612399-CA-C.
Other names: c.1376del, p.Leu459fs (NM_001387985.1, NM_001388008.1, NM_001388009.1 and 1 more transcripts); c.1370-21del (NM_001387940.1, NM_001387961.1, NM_001387988.1 and 38 more transcripts); c.1316-21del (NM_001387942.1, NM_001387963.1, NM_001387964.1 and 8 more transcripts); c.1369+323del (NM_001388002.1, NM_001388003.1); short protein forms L459fs.
Identifiers: ClinVar variation 4879316 (VCV004879316.1).

ClinVar aggregate classification (germline): Uncertain significance (1 of 4 stars; one submission).

Submission:

Clinical Genomics Laboratory, Washington University in St. Louis
Classification: Uncertain significance. Last evaluated: 2025-12-04. Review status: criteria provided, single submitter. Criteria: ACMG Guidelines, 2015. Collection method: clinical testing. Allele origin: germline.
Comment: The BAG6 c.1376del (p.Leu459Argfs*84) variant, to our knowledge, has not been reported in the medical literature. This variant is absent from the general population (gnomAD v.2.1.1), indicating it is not a common variant. This variant causes a frameshift by deleting one nucleotide, leading to a premature termination codon, which is predicted to lead to nonsense-mediated decay. Due to limited information, the clinical significance of this variant is uncertain.